The following is an entry in ClinVar:

NM_000618.5(IGF1):c.*6093G>A

Genes: LINC02456 (long intergenic non-protein coding RNA 2456; plus strand), IGF1 (insulin like growth factor 1; minus strand). Cytogenetic location: 12q23.2.
Variant type: single nucleotide variant.
Coding change: c.*6093G>A on transcript NM_000618.5 (MANE Select); 6093 bases downstream of the stop codon, G replaced by A.
Molecular consequence: 3 prime UTR variant.
Genome position (GRCh38, 1-based): chr12:102,396,414, C>T on the plus strand (G>A on the coding strand, the complement: IGF1 is on the minus strand). VCF-style: chr12-102396414-C-T. GRCh37 (hg19) VCF-style: chr12-102790192-C-T.
Other names: c.*6127G>A (NM_001111283.3); c.*6093G>A (NM_001111284.2).
Identifiers: ClinVar variation 306836 (VCV000306836.6), dbSNP rs6219, ClinGen allele CA10639927.
Genomic context (GRCh38, chr12:102,396,414, plus strand): 5'-GATATTTTGAATAGACATTTTCATGATACACAGACACAGATAAAAGATGTAAGTAGACAG[C>T]TTGAGGTTTCAGAGTCCCTCCTGCAGTGTGTTTAGCAGCGGGTACAAGATAAATATCCAA-3'

ClinVar aggregate classification (germline): Benign. Review status: criteria provided, multiple submitters, no conflicts (2 of 4 stars). 2 submissions from 2 submitters: Benign (2). Last evaluated 2018-01-12.

Conditions:
Growth delay due to insulin-like growth factor type 1 deficiency (IGF1D). Also called: GROWTH RETARDATION WITH SENSORINEURAL DEAFNESS AND MENTAL RETARDATION; IGF1 DEFICIENCY. Identifiers: Orphanet 73272, MedGen C1837475, MONDO:0012110, OMIM 608747.

Allele frequency attached by ClinVar (database versions not stated): gnomAD 0.08856 and 0.09073; TOPMed 0.09080; 1000 Genomes Project 30x 0.09557; gnomAD exomes 0.09839; 1000 Genomes Project 0.09944.
gnomAD v4.1: 13,868 of 153,244 alleles (9%); highest among the groups gnomAD compares: East Asian, 17%; 662 homozygotes.

Submissions (2):

Illumina Laboratory Services, Illumina
Classification: Benign for Growth delay due to insulin-like growth factor type 1 deficiency. Last evaluated: 2018-01-12. Review status: criteria provided, single submitter. Criteria: ICSL Variant Classification Criteria 13 December 2019. Collection method: clinical testing. Allele origin: germline.
Comment: This variant was observed in the ICSL laboratory as part of a predisposition screen in an ostensibly healthy population. It had not been previously curated by ICSL or reported in the Human Gene Mutation Database (HGMD: prior to June 1st, 2018), and was therefore a candidate for classification through an automated scoring system. Utilizing variant allele frequency, disease prevalence and penetrance estimates, and inheritance mode, an automated score was calculated to assess if this variant is too frequent to cause the disease. Based on the score and internal cut-off values, a variant classified as benign is not then subjected to further curation. The score for this variant resulted in a classification of benign for this disease.

Breakthrough Genomics
Classification: Benign. Review status: criteria provided, single submitter. Criteria: ACMG Guidelines, 2015. Collection method: not provided. Allele origin: germline. Inheritance: Autosomal recessive inheritance. Affected: yes.